The following is an entry in ClinVar:

ClinVar aggregate classification (germline): Uncertain significance (1 of 4 stars; one submission).

Conditions:
Primary ciliary dyskinesia. Also called: Ciliary dyskinesia. Identifiers: Orphanet 244, MedGen C0008780, MONDO:0016575, HP:0012265.

gnomAD v4.1: 1 of 1,613,484 alleles (0.000062%); highest among the groups gnomAD compares: South Asian, 0.0011%; no homozygotes.

Submission:

Labcorp Genetics (formerly Invitae), Labcorp
Classification: Uncertain significance for Primary ciliary dyskinesia. Last evaluated: 2025-04-17. Review status: criteria provided, single submitter. Criteria: Invitae Variant Classification Sherloc (09022015). Collection method: clinical testing. Allele origin: germline.
Comment: This sequence change replaces aspartic acid, which is acidic and polar, with histidine, which is basic and polar, at codon 240 of the CCDC39 protein (p.Asp240His). This variant is not present in population databases (gnomAD no frequency). This variant has not been reported in the literature in individuals affected with CCDC39-related conditions. An algorithm developed to predict the effect of missense changes on protein structure and function (PolyPhen-2) suggests that this variant is likely to be disruptive. In summary, the available evidence is currently insufficient to determine the role of this variant in disease. Therefore, it has been classified as a Variant of Uncertain Significance.

NM_181426.2(CCDC39):c.718G>C (p.Asp240His)

Gene: CCDC39 (coiled-coil domain 39 molecular ruler complex subunit; minus strand). Cytogenetic location: 3q26.33.
Variant type: single nucleotide variant.
Coding change: c.718G>C on transcript NM_181426.2 (MANE Select); coding-DNA position 718, G replaced by C.
Protein change: p.Asp240His; replaces aspartic acid 240 with histidine.
Molecular consequence: missense variant.
Genome position (GRCh38, 1-based): chr3:180,659,472, C>G on the plus strand (G>C on the coding strand, the complement: CCDC39 is on the minus strand). VCF-style: chr3-180659472-C-G. GRCh37 (hg19) VCF-style: chr3-180377260-C-G.
Other names: short protein forms D240H.
Identifiers: ClinVar variation 4761396 (VCV004761396.1).
Genomic context (GRCh38, chr3:180,659,472, plus strand): 5'-AATGCAGCTGAACATTACAAGGACCAAACAACTACTTTACCAAAGCACAGTTATCTATGT[C>G]TCCATCCCTCTTCTGCATCTGTTCTATTGTGTTCTCCCATTGTTTAATGAGTTCTTGTCT-3'
Protein context (NP_852091.1, residues 230-250): TIEQMQKRDG[Asp240His]IDNCALELAR